The following is an entry in ClinVar:

ClinVar aggregate classification (germline): Uncertain significance. Review status: criteria provided, multiple submitters, no conflicts (2 of 4 stars). 2 submissions from 2 submitters: Uncertain significance (2). Last evaluated 2025-01-08.

Conditions:
Inborn genetic diseases. Identifiers: MedGen C0950123, MeSH D030342.

Allele frequency attached by ClinVar (database versions not stated): gnomAD exomes below 0.00001; ExAC 0.00001; gnomAD 0.00001; TOPMed 0.00001.
gnomAD v4.1: 4 of 1,581,300 alleles (0.00025%); highest among the groups gnomAD compares: Admixed American, 0.0069%; no homozygotes.

Submissions (2):

Ambry Genetics
Classification: Uncertain significance for Inborn genetic diseases. Last evaluated: 2025-01-08. Review status: criteria provided, single submitter. Criteria: Ambry Variant Classification Scheme 2023. Collection method: clinical testing. Allele origin: germline.

Labcorp Genetics (formerly Invitae), Labcorp
Classification: Uncertain significance. Last evaluated: 2024-08-05. Review status: criteria provided, single submitter. Criteria: Invitae Variant Classification Sherloc (09022015). Collection method: clinical testing. Allele origin: germline.
Comment: This sequence change replaces glutamic acid, which is acidic and polar, with lysine, which is basic and polar, at codon 74 of the HPS5 protein (p.Glu74Lys). This variant is present in population databases (rs749250681, gnomAD 0.01%). This variant has not been reported in the literature in individuals affected with HPS5-related conditions. ClinVar contains an entry for this variant (Variation ID: 1899196). An algorithm developed to predict the effect of missense changes on protein structure and function (PolyPhen-2) suggests that this variant is likely to be disruptive. In summary, the available evidence is currently insufficient to determine the role of this variant in disease. Therefore, it has been classified as a Variant of Uncertain Significance.

NM_181507.2(HPS5):c.220G>A (p.Glu74Lys)

Gene: HPS5 (HPS5 biogenesis of lysosomal organelles complex 2 subunit 2; minus strand). Cytogenetic location: 11p15.1.
Variant type: single nucleotide variant.
Coding change: c.220G>A on transcript NM_181507.2 (MANE Select); coding-DNA position 220, G replaced by A.
Protein change: p.Glu74Lys; replaces glutamic acid 74 with lysine.
Molecular consequence: missense variant. On other transcripts: 5 prime UTR variant (1).
Genome position (GRCh38, 1-based): chr11:18,311,451, C>T on the plus strand (G>A on the coding strand, the complement: HPS5 is on the minus strand). VCF-style: chr11-18311451-C-T. GRCh37 (hg19) VCF-style: chr11-18332998-C-T.
Other names: c.-123G>A (NM_007216.4, NM_181508.2); short protein forms E74K.
Identifiers: ClinVar variation 1899196 (VCV001899196.5), dbSNP rs749250681, ClinGen allele CA5910499.